The following is an entry in ClinVar:

NC_000019.9:g.(?_12767365)_(12769344_?)del

Gene: MAN2B1 (mannosidase alpha class 2B member 1; minus strand). Cytogenetic location: 19p13.2.
Variant type: Deletion.
Identifiers: ClinVar variation 3248400 (VCV003248400.1).

ClinVar aggregate classification (germline): Pathogenic (1 of 4 stars; one submission).

Conditions:
Deficiency of alpha-mannosidase (MANSA). Also called: LYSOSOMAL ALPHA-D-MANNOSIDASE DEFICIENCY; Alpha-Mannosidosis; Mannosidosis, alpha-, types I and II. Identifiers: Orphanet 61, MedGen C0024748, MONDO:0009561, OMIM 248500.

Submission:

Labcorp Genetics (formerly Invitae), Labcorp
Classification: Pathogenic for Deficiency of alpha-mannosidase. Last evaluated: 2023-02-25. Review status: criteria provided, single submitter. Criteria: Invitae Variant Classification Sherloc (09022015). Collection method: clinical testing. Allele origin: unknown.
Comment: This variant is a gross deletion of the genomic region encompassing exon(s) 8-13 of the MAN2B1 gene. This variant would be expected to be in-frame, preserving the integrity of the reading frame. This variant has not been reported in the literature in individuals affected with MAN2B1-related conditions. This variant disrupts a region of the MAN2B1 protein in which other variant(s) (p.Gly451Cys) have been determined to be pathogenic (PMID: 21505070, 22161967). This suggests that this is a clinically significant region of the protein, and that variants that disrupt it are likely to be disease-causing. For these reasons, this variant has been classified as Pathogenic.

Literature cited by the submitters: PubMed 21505070; PubMed 22161967.